The following is an entry in ClinVar:

NM_001082538.3(TCTN1):c.1417C>T (p.Pro473Ser)

Gene: TCTN1 (tectonic family member 1; plus strand). Cytogenetic location: 12q24.11.
Variant type: single nucleotide variant.
Coding change: c.1417C>T on transcript NM_001082538.3 (MANE Select); coding-DNA position 1417, C replaced by T.
Protein change: p.Pro473Ser; replaces proline 473 with serine.
Molecular consequence: missense variant. On other transcripts: non-coding transcript variant (1).
Genome position (GRCh38, 1-based): chr12:110,645,052, C>T. VCF-style: chr12-110645052-C-T. GRCh37 (hg19) VCF-style: chr12-111082857-C-T.
Other names: c.1417C>T, p.Pro473Ser (NM_001082537.3); c.1249C>T, p.Pro417Ser (NM_001173975.3); c.1090C>T, p.Pro364Ser (NM_001173976.2); c.1270C>T, p.Pro424Ser (NM_001319680.2); c.883C>T, p.Pro295Ser (NM_001319681.2); c.1375C>T, p.Pro459Ser (NM_024549.6); short protein forms P364S, P424S, P459S, P295S, P417S, P473S.
Identifiers: ClinVar variation 1446890 (VCV001446890.6), dbSNP rs757074241, ClinGen allele CA6786891.

ClinVar aggregate classification (germline): Uncertain significance (1 of 4 stars; one submission).

Conditions:
Meckel-Gruber syndrome. Also called: DYSENCEPHALIA SPLANCHNOCYSTICA; GRUBER SYNDROME; Dysencephalia splachnocystica. Identifiers: Orphanet 564, MedGen C0265215, MONDO:0018921.
Joubert syndrome. Also called: CEREBELLOPARENCHYMAL DISORDER IV; JOUBERT-BOLTSHAUSER SYNDROME; Familial aplasia of the vermis. Identifiers: Orphanet 475, MedGen C5979921, MONDO:0018772.

Allele frequency attached by ClinVar (database versions not stated): gnomAD exomes below 0.00001; ExAC 0.00001.
gnomAD v4.1: 23 of 1,614,166 alleles (0.0014%); highest among the groups gnomAD compares: Non-Finnish European, 0.0019%; no homozygotes.

Submission:

Labcorp Genetics (formerly Invitae), Labcorp
Classification: Uncertain significance for Joubert syndrome; Meckel-Gruber syndrome. Last evaluated: 2022-03-09. Review status: criteria provided, single submitter. Criteria: Invitae Variant Classification Sherloc (09022015). Collection method: clinical testing. Allele origin: germline.
Comment: This variant has not been reported in the literature in individuals affected with TCTN1-related conditions. This variant is present in population databases (rs757074241, gnomAD 0.0009%). This sequence change replaces proline, which is neutral and non-polar, with serine, which is neutral and polar, at codon 473 of the TCTN1 protein (p.Pro473Ser). Algorithms developed to predict the effect of missense changes on protein structure and function output the following: SIFT: "Tolerated"; PolyPhen-2: "Benign"; Align-GVGD: "Class C0". The serine amino acid residue is found in multiple mammalian species, which suggests that this missense change does not adversely affect protein function. In summary, the available evidence is currently insufficient to determine the role of this variant in disease. Therefore, it has been classified as a Variant of Uncertain Significance.